The following is an entry in ClinVar:

ClinVar aggregate classification (germline): Pathogenic/Likely pathogenic. Review status: criteria provided, multiple submitters, no conflicts (2 of 4 stars). 3 submissions from 3 submitters: Pathogenic (1); Likely pathogenic (1). 1 of the submissions does not count toward it. Last evaluated 2025-12-08.

Conditions:
Polycystic kidney disease 4 (PKD4). Also called: Autosomal Recessive Polycystic Kidney Disease – PKHD1; POLYCYSTIC KIDNEY AND HEPATIC DISEASE 1; POLYCYSTIC KIDNEY DISEASE, INFANTILE, TYPE I; PKD3; POLYCYSTIC KIDNEY DISEASE 4 WITH OR WITHOUT POLYCYSTIC LIVER DISEASE. Identifiers: MedGen C4540575, MONDO:0033004, OMIM 263200.
Autosomal recessive polycystic kidney disease (ARPKD). Also called: AR polycystic kidney disease. Identifiers: Orphanet 731, Orphanet 8378, MedGen C0085548, MeSH D017044, MONDO:0009889.

Allele frequency attached by ClinVar (database versions not stated): TOPMed below 0.00001; gnomAD exomes below 0.00001.
gnomAD v4.1: 5 of 1,601,800 alleles (0.00031%); highest among the groups gnomAD compares: East Asian, 0.0023%; no homozygotes.

Submissions (3):

Labcorp Genetics (formerly Invitae), Labcorp
Classification: Pathogenic for Autosomal recessive polycystic kidney disease. Last evaluated: 2025-12-08. Review status: criteria provided, single submitter. Criteria: Invitae Variant Classification Sherloc (09022015). Collection method: clinical testing. Allele origin: germline.
Comment: This sequence change replaces isoleucine, which is neutral and non-polar, with threonine, which is neutral and polar, at codon 307 of the PKHD1 protein (p.Ile307Thr). This variant is present in population databases (no rsID available, gnomAD 0.003%). This missense change has been observed in individual(s) with autosomal recessive polycystic kidney disease (PMID: 15108281, 19914852). In at least one individual the data is consistent with being in trans (on the opposite chromosome) from a pathogenic variant. ClinVar contains an entry for this variant (Variation ID: 551925). Invitae Evidence Modeling of protein sequence and biophysical properties (such as structural, functional, and spatial information, amino acid conservation, physicochemical variation, residue mobility, and thermodynamic stability) indicates that this missense variant is expected to disrupt PKHD1 protein function with a positive predictive value of 95%. For these reasons, this variant has been classified as Pathogenic.

Natera, Inc.
Classification: Likely pathogenic for Autosomal recessive polycystic kidney disease. Last evaluated: 2025-03-28. Review status: criteria provided, single submitter. Criteria: Natera Variant Classification Schema (03/2026). Collection method: clinical testing. Allele origin: germline.
Comment: The c.920T>C variant in PKHD1 is a missense variant predicted to cause substitution of isoleucine to threonine at amino acid 307. This variant is rare in the general population with a frequency below the threshold expected for the associated phenotype(s). This variant has been observed in one or more individuals affected with the associated recessive disease, as either homozygous or compound heterozygous with a second variant (PMID: 15108281, 19914852, 36685964). Computational prediction algorithms indicate this variant is likely to affect gene or protein function. Given the available evidence, this variant is classified as Likely Pathogenic.

Counsyl
Classification: Uncertain significance for Polycystic kidney disease 4. Last evaluated: 2017-05-17. Review status: no assertion criteria provided. Collection method: clinical testing. Allele origin: unknown. Not counted in ClinVar's aggregate classification.

Literature cited by the submitters: PubMed 15108281 (cited by 3 submitters); PubMed 19914852 (cited by 3 submitters); PubMed 36685964 (cited by Natera, Inc.).

NM_138694.4(PKHD1):c.920T>C (p.Ile307Thr)

Gene: PKHD1 (PKHD1 ciliary IPT domain containing fibrocystin/polyductin; minus strand). Cytogenetic location: 6p12.2.
Variant type: single nucleotide variant.
Coding change: c.920T>C on transcript NM_138694.4 (MANE Select); coding-DNA position 920, T replaced by C.
Protein change: p.Ile307Thr; replaces isoleucine 307 with threonine.
Molecular consequence: missense variant.
Genome position (GRCh38, 1-based): chr6:52,065,011, A>G on the plus strand (T>C on the coding strand, the complement: PKHD1 is on the minus strand). VCF-style: chr6-52065011-A-G. GRCh37 (hg19) VCF-style: chr6-51929809-A-G.
Other names: c.920T>C, p.Ile307Thr (NM_170724.3); short protein forms I307T.
Identifiers: ClinVar variation 551925 (VCV000551925.18), dbSNP rs1288017883, ClinGen allele CA364429585.